The following is an entry in ClinVar:

NM_022124.6(CDH23):c.4033C>G (p.Gln1345Glu)

Genes: C10orf105 (chromosome 10 open reading frame 105; minus strand), CDH23 (cadherin related 23; plus strand). Cytogenetic location: 10q22.1.
Variant type: single nucleotide variant.
Coding change: c.4033C>G on transcript NM_022124.6 (MANE Select); coding-DNA position 4033, C replaced by G.
Protein change: p.Gln1345Glu; replaces glutamine 1345 with glutamic acid.
Molecular consequence: missense variant. On other transcripts: intron variant (1).
Genome position (GRCh38, 1-based): chr10:71,732,304, C>G. VCF-style: chr10-71732304-C-G. GRCh37 (hg19) VCF-style: chr10-73492061-C-G.
Other names: c.4033C>G, p.Gln1345Glu (NM_001171930.2); c.-6+5424G>C (NM_001168390.2); short protein forms Q1345E.
Identifiers: ClinVar variation 1398647 (VCV001398647.9), dbSNP rs1469319388, ClinGen allele CA377156772.

ClinVar aggregate classification (germline): Uncertain significance (1 of 4 stars; one submission).

Allele frequency attached by ClinVar (database versions not stated): gnomAD exomes below 0.00001.
gnomAD v4.1: 1 of 1,611,428 alleles (0.000062%); highest among the groups gnomAD compares: Admixed American, 0.0017%; no homozygotes.

Submission:

Labcorp Genetics (formerly Invitae), Labcorp
Classification: Uncertain significance. Last evaluated: 2021-05-31. Review status: criteria provided, single submitter. Criteria: Invitae Variant Classification Sherloc (09022015). Collection method: clinical testing. Allele origin: germline.
Comment: This sequence change replaces glutamine with glutamic acid at codon 1345 of the CDH23 protein (p.Gln1345Glu). The glutamine residue is highly conserved and there is a small physicochemical difference between glutamine and glutamic acid. In summary, the available evidence is currently insufficient to determine the role of this variant in disease. Therefore, it has been classified as a Variant of Uncertain Significance. Algorithms developed to predict the effect of missense changes on protein structure and function are either unavailable or do not agree on the potential impact of this missense change (SIFT: "Tolerated"; PolyPhen-2: "Not Available"; Align-GVGD: "Class C0"). This variant has not been reported in the literature in individuals with CDH23-related conditions. This variant is not present in population databases (ExAC no frequency).